The following is an entry in ClinVar:

NM_007294.4(BRCA1):c.364G>C (p.Val122Leu)

Gene: BRCA1 (BRCA1 DNA repair associated; minus strand). Cytogenetic location: 17q21.31.
Variant type: single nucleotide variant.
Coding change: c.364G>C on transcript NM_007294.4 (MANE Select); coding-DNA position 364, G replaced by C.
Protein change: p.Val122Leu; replaces valine 122 with leucine.
Molecular consequence: missense variant. On other transcripts: non-coding transcript variant (1).
Genome position (GRCh38, 1-based): chr17:43,104,199, C>G on the plus strand (G>C on the coding strand, the complement: BRCA1 is on the minus strand). VCF-style: chr17-43104199-C-G. GRCh37 (hg19) VCF-style: chr17-41256216-C-G.
Other names: c.223G>C, p.Val75Leu (NM_001407920.1, NM_001408511.1, NM_007297.4 and 99 more transcripts); c.-18G>C (NM_001408512.1, NM_001407959.1, NM_001407960.1 and 4 more transcripts); c.154G>C, p.Val52Leu (NM_001408513.1, NM_001408514.1, NM_001407571.1 and 58 more transcripts); c.364G>C, p.Val122Leu (NM_007298.4, NM_001407630.1, NM_001407631.1 and 165 more transcripts); c.355G>C, p.Val119Leu (NM_001407646.1, NM_001407647.1, NM_001408408.1); c.286G>C, p.Val96Leu (NM_001407653.1, NM_001407654.1, NM_001407655.1 and 21 more transcripts); c.232G>C, p.Val78Leu (NM_001408451.1); short protein forms V122L, V75L, V96L, V52L, V119L, V78L.
Identifiers: ClinVar variation 496370 (VCV000496370.4), dbSNP rs1555596409, ClinGen allele CA10601415.

ClinVar aggregate classification (germline): Uncertain significance. Review status: criteria provided, multiple submitters, no conflicts (2 of 4 stars). 2 submissions from 2 submitters: Uncertain significance (2). Last evaluated 2025-01-08.

Conditions:
Hereditary breast ovarian cancer syndrome. Also called: Breast and ovarian cancer; BRCA1- and BRCA2-Associated Hereditary Breast and Ovarian Cancer; Hereditary breast and ovarian cancer syndrome (HBOC); Hereditary breast and ovarian cancer; Hereditary breast and/or ovarian cancer syndrome; Hereditary breast and ovarian cancer syndrome. Identifiers: Orphanet 145, MedGen C0677776, MeSH D061325, MONDO:0003582. Disease mechanism: loss of function.

Submissions (2):

Labcorp Genetics (formerly Invitae), Labcorp
Classification: Uncertain significance for Hereditary breast ovarian cancer syndrome. Last evaluated: 2025-01-08. Review status: criteria provided, single submitter. Criteria: Invitae Variant Classification Sherloc (09022015). Collection method: clinical testing. Allele origin: germline.
Comment: This sequence change replaces valine, which is neutral and non-polar, with leucine, which is neutral and non-polar, at codon 122 of the BRCA1 protein (p.Val122Leu). This variant is not present in population databases (gnomAD no frequency). This variant has not been reported in the literature in individuals affected with BRCA1-related conditions. ClinVar contains an entry for this variant (Variation ID: 496370). Invitae Evidence Modeling of protein sequence and biophysical properties (such as structural, functional, and spatial information, amino acid conservation, physicochemical variation, residue mobility, and thermodynamic stability) indicates that this missense variant is expected to disrupt BRCA1 protein function with a positive predictive value of 80%. In summary, the available evidence is currently insufficient to determine the role of this variant in disease. Therefore, it has been classified as a Variant of Uncertain Significance.

Women's Health and Genetics/Laboratory Corporation of America, LabCorp
Classification: Uncertain significance. Last evaluated: 2016-05-31. Review status: criteria provided, single submitter. Criteria: LabCorp Variant Classification Summary - May 2015. Collection method: clinical testing. Allele origin: germline.
Comment: Variant summary: The BRCA1 c.364G>C (p.Val122Leu) variant involves the alteration of a non-conserved nucleotide. 3/4 in silico tools predict a benign outcome (SNPs&GO not captured due to low reliability index). This variant is absent in 121406 control chromosomes. The variant of interest has not, to our knowledge, been reported in affected individuals via publications and/or reputable databases/clinical diagnostic laboratories; nor evaluated for functional impact by in vivo/vitro studies. Because of the absence of clinical information and the lack of functional studies, the variant was classified as a variant of uncertain significance (VUS) until additional information becomes available.